The following is an entry in ClinVar:

NM_000051.4(ATM):c.4354G>A (p.Asp1452Asn)

Gene: ATM (ATM serine/threonine kinase; plus strand). Cytogenetic location: 11q22.3.
Variant type: single nucleotide variant.
Coding change: c.4354G>A on transcript NM_000051.4 (MANE Select); coding-DNA position 4354, G replaced by A.
Protein change: p.Asp1452Asn; replaces aspartic acid 1452 with asparagine.
Molecular consequence: missense variant.
Genome position (GRCh38, 1-based): chr11:108,289,719, G>A. VCF-style: chr11-108289719-G-A. GRCh37 (hg19) VCF-style: chr11-108160446-G-A.
Other names: c.4354G>A, p.Asp1452Asn (NM_001351834.2); short protein forms D1452N.
Identifiers: ClinVar variation 1722103 (VCV001722103.5), dbSNP rs1012695949, ClinGen allele CA382532014.
Genomic context (GRCh38, chr11:108,289,719, plus strand): 5'-GTTTATAAGAAGCACAGAATTCTTAAAATATATCACCTGTTTGTTAGTTTATTACTGAAA[G>A]ATATAAAAAGTGGCTTAGGAGGAGCTTGGGCCTTTGTTCTTCGAGACGTTATTTATACTT-3'
Protein context (NP_000042.3, residues 1442-1462): YHLFVSLLLK[Asp1452Asn]IKSGLGGAWA

ClinVar aggregate classification (germline): Uncertain significance (1 of 4 stars; one submission).

Conditions:
Ataxia-telangiectasia syndrome (AT). Also called: Ataxia-telangiectasia, complementation group D; Ataxia telangiectasia (A-T); ATAXIA-TELANGIECTASIA, COMPLEMENTATION GROUP A; LOUIS-BAR SYNDROME; Cerebello-oculocutaneous telangiectasia; Immunodeficiency with ataxia telangiectasia. Identifiers: Orphanet 100, MedGen C0004135, MONDO:0008840, OMIM 208900.

Submission:

Labcorp Genetics (formerly Invitae), Labcorp
Classification: Uncertain significance for Ataxia-telangiectasia syndrome. Last evaluated: 2022-10-23. Review status: criteria provided, single submitter. Criteria: Invitae Variant Classification Sherloc (09022015). Collection method: clinical testing. Allele origin: germline.
Comment: This variant has not been reported in the literature in individuals affected with ATM-related conditions. This sequence change replaces aspartic acid, which is acidic and polar, with asparagine, which is neutral and polar, at codon 1452 of the ATM protein (p.Asp1452Asn). This variant is not present in population databases (gnomAD no frequency). Algorithms developed to predict the effect of missense changes on protein structure and function are either unavailable or do not agree on the potential impact of this missense change (SIFT: "Deleterious"; PolyPhen-2: "Benign"; Align-GVGD: "Class C0"). In summary, the available evidence is currently insufficient to determine the role of this variant in disease. Therefore, it has been classified as a Variant of Uncertain Significance.